The following is an entry in ClinVar:

ClinVar aggregate classification (germline): Likely benign (1 of 4 stars; one submission).

Allele frequency attached by ClinVar (database versions not stated): 1000 Genomes Project 30x 0.00016; 1000 Genomes Project 0.00020; TOPMed 0.00035; ExAC 0.00036; gnomAD 0.00042; ESP Exome Variant Server 0.00069; gnomAD exomes 0.00075.
gnomAD v4.1: 1,133 of 1,613,754 alleles (0.07%); highest among the groups gnomAD compares: Non-Finnish European, 0.089%; no homozygotes.

Submission:

CeGaT Center for Human Genetics Tuebingen
Classification: Likely benign. Last evaluated: 2023-04-01. Review status: criteria provided, single submitter. Criteria: CeGaT Center For Human Genetics Tuebingen Variant Classification Criteria Version 2. Collection method: clinical testing. Allele origin: germline. Affected: yes. Observed: 1 variant allele.
Comment: EFCAB6: BP4

NM_022785.4(EFCAB6):c.2098+4G>C

Gene: EFCAB6 (EF-hand calcium binding domain 6; minus strand). Cytogenetic location: 22q13.2.
Variant type: single nucleotide variant.
Coding change: c.2098+4G>C on transcript NM_022785.4 (MANE Select); 4 bases into the intron after coding-DNA position 2098, G replaced by C.
Molecular consequence: intron variant.
Genome position (GRCh38, 1-based): chr22:43,635,098, C>G on the plus strand (G>C on the coding strand, the complement: EFCAB6 is on the minus strand). VCF-style: chr22-43635098-C-G. GRCh37 (hg19) VCF-style: chr22-44030978-C-G.
Other names: c.1642+4G>C (NM_198856.3).
Identifiers: ClinVar variation 2653269 (VCV002653269.24), dbSNP rs200937643, ClinGen allele CA10276227.